The following is an entry in ClinVar:

ClinVar aggregate classification (germline): Uncertain significance (1 of 4 stars; one submission).

Conditions:
Familial thoracic aortic aneurysm and aortic dissection (TAAD). Also called: Thoracic aortic aneurysms and dissections. Identifiers: Orphanet 91387, MedGen C4707243, MONDO:0019625.

Submission:

Color Diagnostics, LLC DBA Color Health
Classification: Uncertain significance for Familial thoracic aortic aneurysm and aortic dissection. Last evaluated: 2019-02-04. Review status: criteria provided, single submitter. Criteria: ACMG Guidelines, 2015. Collection method: clinical testing. Allele origin: germline.
Comment: Variant of Uncertain Significance due to insufficient evidence: This variant deletes 1 nucleotide in exon 8 of the ACTA2 gene, creating a frameshift and premature translation stop signal. This variant is expected to result in an absent or non-functional protein product. To our knowledge, functional assays have not been performed for this variant nor has this variant been reported in individuals affected with cardiovascular disorders in the literature. This variant is rare in the general population and has been identified in 0/277264 chromosomes by the Genome Aggregation Database (gnomAD). Disease-causing variants in ACTA2 are mostly missense variants that act in a dominant-negative manner. The role of ACTA2 truncation variants in cardiomyopathy is not clearly established. Available evidence is insufficient to determine the role of this variant in disease conclusively.

NM_001613.4(ACTA2):c.843del (p.Thr280_Tyr281insTer)

Genes: ACTA2-AS1 (ACTA2 antisense RNA 1; plus strand), ACTA2 (actin alpha 2, smooth muscle; minus strand). Cytogenetic location: 10q23.31.
Variant type: Deletion.
Coding change: c.843del on transcript NM_001613.4 (MANE Select); coding-DNA position 843, one base deleted (C; older notation c.843delC).
Protein change: p.Thr280_Tyr281insTer.
Molecular consequence: nonsense. On other transcripts: frameshift variant (10).
Genome position (GRCh38, 1-based): chr10:88,938,208, G deleted on the plus strand (C on the coding strand, the reverse complement: ACTA2 is on the minus strand). VCF-style (leftmost placement, unchanged base first): chr10-88938207-TG-T. GRCh37 (hg19) VCF-style: chr10-90697964-TG-T.
Other names: c.843delC, p.Tyr281Terfs (NM_001141945.3, NM_001320855.2, NM_001406462.1 and 2 more transcripts); c.732delC, p.Tyr244Terfs (NM_001406466.1); c.714delC, p.Tyr238Terfs (NM_001406467.1, NM_001406468.1, NM_001406469.1); c.651delC, p.Tyr217Terfs (NM_001406471.1).
Identifiers: ClinVar variation 921033 (VCV000921033.5), dbSNP rs1845781271, ClinGen allele CA913188330.